The following is an entry in ClinVar:

ClinVar aggregate classification (germline): Uncertain significance (1 of 4 stars; one submission).

Conditions:
Autoimmune lymphoproliferative syndrome type 1. Also called: AUTOIMMUNE LYMPHOPROLIFERATIVE SYNDROME, TYPE I, AUTOSOMAL DOMINANT. Identifiers: Orphanet 3261, MedGen C2717884, MONDO:0011158, OMIM 601859.

Submission:

Labcorp Genetics (formerly Invitae), Labcorp
Classification: Uncertain significance for Autoimmune lymphoproliferative syndrome. Last evaluated: 2022-06-15. Review status: criteria provided, single submitter. Criteria: Invitae Variant Classification Sherloc (09022015). Collection method: clinical testing. Allele origin: germline.
Comment: This variant, c.180_182dup, results in the insertion of 1 amino acid(s) of the FASLG protein (p.Pro62dup), but otherwise preserves the integrity of the reading frame. In summary, the available evidence is currently insufficient to determine the role of this variant in disease. Therefore, it has been classified as a Variant of Uncertain Significance. This variant has not been reported in the literature in individuals affected with FASLG-related conditions. This variant is not present in population databases (gnomAD no frequency).

NM_000639.3(FASLG):c.171GCC[5] (p.Pro62_Leu63insPro)

Gene: FASLG (Fas ligand; plus strand). Cytogenetic location: 1q24.3.
Variant type: Microsatellite.
Coding change: c.171GCC[5] on transcript NM_000639.3 (MANE Select); five copies in a row of the 3-base unit GCC starting at c.171; the reference has four copies in a row; one copy, 3 bases duplicated.
Protein change: p.Pro62_Leu63insPro.
Molecular consequence: inframe insertion.
Genome position (GRCh38, 1-based): chr1:172,659,381-172,659,383, GCC duplicated; duplicating any 3 consecutive bases within chr1:172,659,370-172,659,383 gives the same sequence; the position shown is the placement nearest the transcript's 3' end. VCF-style (leftmost placement, unchanged base first): chr1-172659369-T-TCCG. GRCh37 (hg19) VCF-style: chr1-172628509-T-TCCG.
Other names: c.171GCC[5], p.Pro62_Leu63insPro (NM_001302746.2).
Identifiers: ClinVar variation 1984410 (VCV001984410.4), dbSNP rs772297337, ClinGen allele CA2574089393.